The following is an entry in ClinVar:

ClinVar aggregate classification (germline): Uncertain significance. Review status: criteria provided, multiple submitters, no conflicts (2 of 4 stars). 3 submissions from 3 submitters: Uncertain significance (3). Last evaluated 2023-07-11.

Conditions:
Inborn genetic diseases. Identifiers: MedGen C0950123, MeSH D030342.

Allele frequency attached by ClinVar (database versions not stated): gnomAD exomes below 0.00001.
gnomAD v4.1: 6 of 1,612,946 alleles (0.00037%); highest among the groups gnomAD compares: Admixed American, 0.01%; no homozygotes.

Submissions (3):

Ambry Genetics
Classification: Uncertain significance for Inborn genetic diseases. Last evaluated: 2023-07-11. Review status: criteria provided, single submitter. Criteria: Ambry Variant Classification Scheme 2023. Collection method: clinical testing. Allele origin: germline.

Labcorp Genetics (formerly Invitae), Labcorp
Classification: Uncertain significance. Last evaluated: 2022-09-13. Review status: criteria provided, single submitter. Criteria: Invitae Variant Classification Sherloc (09022015). Collection method: clinical testing. Allele origin: germline.
Comment: This variant has not been reported in the literature in individuals affected with ANK3-related conditions. Advanced modeling of protein sequence and biophysical properties (such as structural, functional, and spatial information, amino acid conservation, physicochemical variation, residue mobility, and thermodynamic stability) performed at Invitae indicates that this missense variant is not expected to disrupt ANK3 protein function. ClinVar contains an entry for this variant (Variation ID: 806477). This variant is not present in population databases (gnomAD no frequency). This sequence change replaces valine, which is neutral and non-polar, with isoleucine, which is neutral and non-polar, at codon 1815 of the ANK3 protein (p.Val1815Ile). In summary, the available evidence is currently insufficient to determine the role of this variant in disease. Therefore, it has been classified as a Variant of Uncertain Significance.

CeGaT Center for Human Genetics Tuebingen
Classification: Uncertain significance. Last evaluated: 2016-10-01. Review status: criteria provided, single submitter. Criteria: CeGaT Center For Human Genetics Tuebingen Variant Classification Criteria Version 2. Collection method: clinical testing. Allele origin: germline. Affected: yes. Observed: 1 variant allele.

NM_020987.5(ANK3):c.5443G>A (p.Val1815Ile)

Gene: ANK3 (ankyrin 3; minus strand). Cytogenetic location: 10q21.2.
Variant type: single nucleotide variant.
Coding change: c.5443G>A on transcript NM_020987.5 (MANE Select); coding-DNA position 5443, G replaced by A.
Protein change: p.Val1815Ile; replaces valine 1815 with isoleucine.
Molecular consequence: missense variant. On other transcripts: intron variant (4).
Genome position (GRCh38, 1-based): chr10:60,075,438, C>T on the plus strand (G>A on the coding strand, the complement: ANK3 is on the minus strand). VCF-style: chr10-60075438-C-T. GRCh37 (hg19) VCF-style: chr10-61835196-C-T.
Other names: c.4387+5099G>A (NM_001204403.2); c.4408+5099G>A (NM_001204404.2); c.4405+5099G>A (NM_001320874.2); c.1807+5099G>A (NM_001149.4); c.5443G>A (NM_020987.3); short protein forms V1815I.
Identifiers: ClinVar variation 806477 (VCV000806477.48), dbSNP rs1589630328, ClinGen allele CA377015542.